The following is an entry in ClinVar:

ClinVar aggregate classification (germline): Uncertain significance (1 of 4 stars; one submission).

Submission:

Labcorp Genetics (formerly Invitae), Labcorp
Classification: Uncertain significance. Last evaluated: 2025-06-15. Review status: criteria provided, single submitter. Criteria: Invitae Variant Classification Sherloc (09022015). Collection method: clinical testing. Allele origin: germline.
Comment: This sequence change replaces alanine, which is neutral and non-polar, with serine, which is neutral and polar, at codon 2288 of the MAP1B protein (p.Ala2288Ser). This variant is not present in population databases (gnomAD no frequency). This variant has not been reported in the literature in individuals affected with MAP1B-related conditions. An algorithm developed to predict the effect of missense changes on protein structure and function (PolyPhen-2) suggests that this variant is likely to be tolerated. In summary, the available evidence is currently insufficient to determine the role of this variant in disease. Therefore, it has been classified as a Variant of Uncertain Significance.

NM_005909.5(MAP1B):c.6862G>T (p.Ala2288Ser)

Gene: MAP1B (microtubule associated protein 1B; plus strand). Cytogenetic location: 5q13.2.
Variant type: single nucleotide variant.
Coding change: c.6862G>T on transcript NM_005909.5 (MANE Select); coding-DNA position 6862, G replaced by T.
Protein change: p.Ala2288Ser; replaces alanine 2288 with serine.
Molecular consequence: missense variant.
Genome position (GRCh38, 1-based): chr5:72,200,217, G>T. VCF-style: chr5-72200217-G-T. GRCh37 (hg19) VCF-style: chr5-71496044-G-T.
Other names: c.6484G>T, p.Ala2162Ser (NM_001324255.2); short protein forms A2288S, A2162S.
Identifiers: ClinVar variation 4721521 (VCV004721521.1).